The following is an entry in ClinVar:

ClinVar aggregate classification (germline): Uncertain significance (0 of 4 stars; one submission).

Conditions:
RAB23-related disorder. Also called: RAB23-related condition.

gnomAD v4.1: 2 of 1,613,954 alleles (0.00012%); highest among the groups gnomAD compares: Admixed American, 0.0033%; no homozygotes.

Submission:

PreventionGenetics, part of Exact Sciences
Classification: Uncertain significance for RAB23-related condition. Last evaluated: 2023-12-07. Review status: no assertion criteria provided. Collection method: clinical testing. Allele origin: germline.
Comment: The RAB23 c.577G>T variant is predicted to result in the amino acid substitution p.Val193Phe. To our knowledge, this variant has not been reported in the literature. This variant is reported in 0.0058% of alleles in individuals of Latino descent in gnomAD. At this time, the clinical significance of this variant is uncertain due to the absence of conclusive functional and genetic evidence.

NM_016277.5(RAB23):c.577G>T (p.Val193Phe)

Gene: RAB23 (RAB23, member RAS oncogene family; minus strand). Cytogenetic location: 6p12.1.
Variant type: single nucleotide variant.
Coding change: c.577G>T on transcript NM_016277.5 (MANE Select); coding-DNA position 577, G replaced by T.
Protein change: p.Val193Phe; replaces valine 193 with phenylalanine.
Molecular consequence: missense variant. On other transcripts: non-coding transcript variant (1).
Genome position (GRCh38, 1-based): chr6:57,190,598, C>A on the plus strand (G>T on the coding strand, the complement: RAB23 is on the minus strand). VCF-style: chr6-57190598-C-A. GRCh37 (hg19) VCF-style: chr6-57055396-C-A.
Other names: c.577G>T, p.Val193Phe (NM_001278666.2, NM_001278667.2, NM_001278668.2 and 1 more transcripts); short protein forms V193F.
Identifiers: ClinVar variation 3348277 (VCV003348277.1).
Genomic context (GRCh38, chr6:57,190,598, plus strand): 5'-CTCCACCATTGAGGGTACCTGAATTCTGACCGGAGTGACTTCCACCAGATGTATTAAAGA[C>A]ACCTGTATAAATTGAGGGAAAAGAGTGATTGCCACTGACACGCCTGAGTTACCTGTTGCA-3'
Protein context (NP_057361.3, residues 183-203): LTHSSSNKIG[Val193Phe]FNTSGGSHSG